The following is an entry in ClinVar:

NM_001394998.1(TANC2):c.3778G>T (p.Val1260Leu)

Genes: TANC2 (tetratricopeptide repeat, ankyrin repeat and coiled-coil containing 2; plus strand), LOC105371856 (uncharacterized LOC105371856; minus strand). Cytogenetic location: 17q23.3.
Variant type: single nucleotide variant.
Coding change: c.3778G>T on transcript NM_001394998.1 (MANE Select); coding-DNA position 3778, G replaced by T.
Protein change: p.Val1260Leu; replaces valine 1260 with leucine.
Molecular consequence: missense variant.
Genome position (GRCh38, 1-based): chr17:63,412,010, G>T. VCF-style: chr17-63412010-G-T. GRCh37 (hg19) VCF-style: chr17-61489371-G-T.
Other names: c.3556G>T, p.Val1186Leu (NM_001411076.1, NM_025185.4); short protein forms V1186L, V1260L.
Identifiers: ClinVar variation 3368213 (VCV003368213.1).
Genomic context (GRCh38, chr17:63,412,010, plus strand): 5'-CTGAGCCATTACGCCTGTCCTAACTTCTCTGCTTGATCCGTGTCCTAGGTCCAGTTCCTG[G>T]TAGATCATGGGGCCATGATCGAGCACGTTGACTACAGTGGAATGCGCCCTTTGGATAGGG-3'
Protein context (NP_001381927.1, residues 1250-1270): YGDAEVVQFL[Val1260Leu]DHGAMIEHVD

ClinVar aggregate classification (germline): Uncertain significance (1 of 4 stars; one submission).

Submission:

GeneDx
Classification: Uncertain significance. Last evaluated: 2024-01-25. Review status: criteria provided, single submitter. Criteria: GeneDx Variant Classification Process June 2021. Collection method: clinical testing. Allele origin: germline. Affected: yes.
Comment: Not observed at significant frequency in large population cohorts (gnomAD); In silico analysis supports that this missense variant does not alter protein structure/function; Has not been previously published as pathogenic or benign to our knowledge